The following is an entry in ClinVar:

NM_020822.3(KCNT1):c.3105G>A (p.Glu1035=)

Gene: KCNT1 (potassium sodium-activated channel subfamily T member 1; plus strand). Cytogenetic location: 9q34.3.
Variant type: single nucleotide variant.
Coding change: c.3105G>A on transcript NM_020822.3 (MANE Select); coding-DNA position 3105, G replaced by A.
Protein change: p.Glu1035=; no amino-acid change (glutamic acid 1035 retained).
Molecular consequence: synonymous variant.
Genome position (GRCh38, 1-based): chr9:135,784,838, G>A. VCF-style: chr9-135784838-G-A. GRCh37 (hg19) VCF-style: chr9-138676684-G-A.
Other names: c.2970G>A, p.Glu990= (NM_001272003.2); c.3105G>A (NM_020822.2).
Identifiers: ClinVar variation 1569087 (VCV001569087.9), dbSNP rs1833915179, ClinGen allele CA467821008.

ClinVar aggregate classification (germline): Likely benign. Review status: criteria provided, multiple submitters, no conflicts (2 of 4 stars). 2 submissions from 2 submitters: Likely benign (2). Last evaluated 2025-09-11.

Conditions:
Developmental and epileptic encephalopathy, 14 (DEE14). Also called: Early infantile epileptic encephalopathy 14. Identifiers: Orphanet 293181, MedGen C3554195, MONDO:0013989, OMIM 614959.
Autosomal dominant nocturnal frontal lobe epilepsy 5. Also called: CILIARY DYSKINESIA, PRIMARY, 28, WITHOUT SITUS INVERSUS; CILIARY DYSKINESIA, PRIMARY, 28, WITH SITUS INVERSUS; Epilepsy, nocturnal frontal lobe, 5; KCNT1-Related Epilepsy. Identifiers: Orphanet 98784, MedGen C3554306, MONDO:0014002, OMIM 615005.
KCNT1-related disorder. Also called: KCNT1-related condition.

Allele frequency attached by ClinVar (database versions not stated): gnomAD 0.00001.
gnomAD v4.1: 1 of 1,612,758 alleles (0.000062%); highest among the groups gnomAD compares: Admixed American, 0.0017%; no homozygotes.

Submissions (2):

PreventionGenetics, part of Exact Sciences
Classification: Likely benign for KCNT1-related condition. Last evaluated: 2025-09-11. Review status: criteria provided, single submitter. Criteria: ACMG Guidelines, 2015. Collection method: clinical testing. Allele origin: germline.
Comment: This variant is classified as likely benign based on ACMG/AMP sequence variant interpretation guidelines (Richards et al. 2015 PMID: 25741868, with internal and published modifications).

Labcorp Genetics (formerly Invitae), Labcorp
Classification: Likely benign for Autosomal dominant nocturnal frontal lobe epilepsy 5; Developmental and epileptic encephalopathy, 14. Last evaluated: 2023-07-25. Review status: criteria provided, single submitter. Criteria: Invitae Variant Classification Sherloc (09022015). Collection method: clinical testing. Allele origin: germline.